The following is an entry in ClinVar:

ClinVar aggregate classification (germline): Likely benign. Review status: criteria provided, single submitter (1 of 4 stars). 2 submissions from 2 submitters: Likely benign (1). 1 of the submissions does not count toward it. Last evaluated 2022-04-12.

Conditions:
ROBO1-related disorder. Also called: ROBO1-related condition.

Allele frequency attached by ClinVar (database versions not stated): TOPMed 0.00003; gnomAD 0.00009; gnomAD exomes 0.00011; ExAC 0.00032; 1000 Genomes Project 0.00060; 1000 Genomes Project 30x 0.00078.
gnomAD v4.1: 184 of 1,611,396 alleles (0.011%); highest among the groups gnomAD compares: South Asian, 0.16%; 3 homozygotes.

Submissions (2):

Labcorp Genetics (formerly Invitae), Labcorp
Classification: Likely benign. Last evaluated: 2022-04-12. Review status: criteria provided, single submitter. Criteria: Invitae Variant Classification Sherloc (09022015). Collection method: clinical testing. Allele origin: germline.

PreventionGenetics, part of Exact Sciences
Classification: Likely benign for ROBO1-related condition. Last evaluated: 2024-04-26. Review status: no assertion criteria provided. Collection method: clinical testing. Allele origin: germline. Not counted in ClinVar's aggregate classification.
Comment: This variant is classified as likely benign based on ACMG/AMP sequence variant interpretation guidelines (Richards et al. 2015 PMID: 25741868, with internal and published modifications).

NM_002941.4(ROBO1):c.3403A>G (p.Thr1135Ala)

Gene: ROBO1 (roundabout guidance receptor 1; minus strand). Cytogenetic location: 3p12.3.
Variant type: single nucleotide variant.
Coding change: c.3403A>G on transcript NM_002941.4 (MANE Select); coding-DNA position 3403, A replaced by G.
Protein change: p.Thr1135Ala; replaces threonine 1135 with alanine.
Molecular consequence: missense variant.
Genome position (GRCh38, 1-based): chr3:78,634,013, T>C on the plus strand (A>G on the coding strand, the complement: ROBO1 is on the minus strand). VCF-style: chr3-78634013-T-C. GRCh37 (hg19) VCF-style: chr3-78683163-T-C.
Other names: c.3268A>G, p.Thr1090Ala (NM_001145844.1, NM_133631.4); c.3103A>G, p.Thr1035Ala (NM_001145845.2); c.3403A>G (NM_002941.3); short protein forms T1035A, T1090A, T1135A.
Identifiers: ClinVar variation 2200268 (VCV002200268.5), dbSNP rs202246939, ClinGen allele CA2498365.